The following is an entry in ClinVar:

ClinVar aggregate classification (germline): Uncertain significance. Review status: criteria provided, multiple submitters, no conflicts (2 of 4 stars). 3 submissions from 3 submitters: Uncertain significance (3). Last evaluated 2024-07-29.

Conditions:
Hereditary cancer-predisposing syndrome. Also called: Neoplastic Syndromes, Hereditary; Tumor predisposition; Hereditary neoplastic syndrome; Hereditary Cancer Syndrome. Identifiers: Orphanet 140162, MedGen C0027672, MeSH D009386, MONDO:0015356.

Allele frequency attached by ClinVar (database versions not stated): ExAC 0.00001.

Submissions (3):

Ambry Genetics
Classification: Uncertain significance for Hereditary cancer-predisposing syndrome. Last evaluated: 2024-07-29. Review status: criteria provided, single submitter. Criteria: Ambry Variant Classification Scheme 2023. Collection method: clinical testing. Allele origin: germline.
Comment: The p.L1128V variant (also known as c.3382C>G), located in coding exon 28 of the POLE gene, results from a C to G substitution at nucleotide position 3382. The leucine at codon 1128 is replaced by valine, an amino acid with highly similar properties. This amino acid position is conserved. In addition, this alteration is predicted to be tolerated by in silico analysis. Based on the available evidence, the clinical significance of this variant remains unclear.

Labcorp Genetics (formerly Invitae), Labcorp
Classification: Uncertain significance. Last evaluated: 2023-04-27. Review status: criteria provided, single submitter. Criteria: Invitae Variant Classification Sherloc (09022015). Collection method: clinical testing. Allele origin: germline.
Comment: Advanced modeling of protein sequence and biophysical properties (such as structural, functional, and spatial information, amino acid conservation, physicochemical variation, residue mobility, and thermodynamic stability) performed at Invitae indicates that this missense variant is not expected to disrupt POLE protein function. This sequence change replaces leucine, which is neutral and non-polar, with valine, which is neutral and non-polar, at codon 1128 of the POLE protein (p.Leu1128Val). This variant is not present in population databases (gnomAD no frequency). This variant has not been reported in the literature in individuals affected with POLE-related conditions. ClinVar contains an entry for this variant (Variation ID: 580093). In summary, the available evidence is currently insufficient to determine the role of this variant in disease. Therefore, it has been classified as a Variant of Uncertain Significance.

GeneDx
Classification: Uncertain significance. Last evaluated: 2019-12-05. Review status: criteria provided, single submitter. Criteria: GeneDx Variant Classification Process June 2021. Collection method: clinical testing. Allele origin: germline. Affected: yes.
Comment: Not observed in large population cohorts (Lek 2016); In silico analysis, which includes protein predictors and evolutionary conservation, supports a deleterious effect; Has not been previously published as pathogenic or benign to our knowledge

NM_006231.4(POLE):c.3382C>G (p.Leu1128Val)

Gene: POLE (DNA polymerase epsilon, catalytic subunit; minus strand). Cytogenetic location: 12q24.33.
Variant type: single nucleotide variant.
Coding change: c.3382C>G on transcript NM_006231.4 (MANE Select); coding-DNA position 3382, C replaced by G.
Protein change: p.Leu1128Val; replaces leucine 1128 with valine.
Molecular consequence: missense variant.
Genome position (GRCh38, 1-based): chr12:132,657,426, G>C on the plus strand (C>G on the coding strand, the complement: POLE is on the minus strand). VCF-style: chr12-132657426-G-C. GRCh37 (hg19) VCF-style: chr12-133234012-G-C.
Other names: c.3382C>G (NM_006231.2); short protein forms L1128V.
Identifiers: ClinVar variation 580093 (VCV000580093.8), dbSNP rs755839896, ClinGen allele CA6893245.